The following is an entry in ClinVar:

ClinVar aggregate classification (germline): Benign/Likely benign. Review status: criteria provided, multiple submitters, no conflicts (2 of 4 stars). 3 submissions from 3 submitters: Benign (1); Likely benign (2). Last evaluated 2025-01-30.

Conditions:
Hereditary cancer-predisposing syndrome. Also called: Neoplastic Syndromes, Hereditary; Hereditary neoplastic syndrome; Hereditary Cancer Syndrome; Tumor predisposition. Identifiers: Orphanet 140162, MedGen C0027672, MeSH D009386, MONDO:0015356.
Multiple endocrine neoplasia, type 1 (MEN1). Also called: Endocrine adenomatosis multiple; MEN 1; MEN I; WERMER SYNDROME; MEA I. Identifiers: Orphanet 652, MedGen C0025267, MeSH D018761, MONDO:0007540, OMIM 131100.

Allele frequency attached by ClinVar (database versions not stated): gnomAD exomes 0.00002 and 0.00001; TOPMed below 0.00001; ExAC 0.00002.
gnomAD v4.1: 8 of 1,614,176 alleles (0.0005%); highest among the groups gnomAD compares: East Asian, 0.016%; no homozygotes.

Submissions (3):

Labcorp Genetics (formerly Invitae), Labcorp
Classification: Likely benign for Multiple endocrine neoplasia, type 1. Last evaluated: 2025-01-30. Review status: criteria provided, single submitter. Criteria: Invitae Variant Classification Sherloc (09022015). Collection method: clinical testing. Allele origin: germline.

Myriad Genetics, Inc.
Classification: Benign for Multiple endocrine neoplasia, type 1. Last evaluated: 2024-11-01. Review status: criteria provided, single submitter. Criteria: Myriad Autosomal Dominant, Autosomal Recessive and X-Linked Classification Criteria (2023). Collection method: clinical testing. Allele origin: unknown.
Comment: This variant is considered benign. This variant is a silent/synonymous amino acid change and it is not expected to impact splicing.

Ambry Genetics
Classification: Likely benign for Hereditary cancer-predisposing syndrome. Last evaluated: 2022-12-03. Review status: criteria provided, single submitter. Criteria: Ambry Variant Classification Scheme 2023. Collection method: clinical testing. Allele origin: germline.

NM_001370259.2(MEN1):c.696C>T (p.Arg232=)

Gene: MEN1 (menin 1; minus strand). Cytogenetic location: 11q13.1.
Variant type: single nucleotide variant.
Coding change: c.696C>T on transcript NM_001370259.2 (MANE Select); coding-DNA position 696, C replaced by T.
Protein change: p.Arg232=; no amino-acid change (arginine 232 retained).
Molecular consequence: synonymous variant.
Genome position (GRCh38, 1-based): chr11:64,807,639, G>A on the plus strand (C>T on the coding strand, the complement: MEN1 is on the minus strand). VCF-style: chr11-64807639-G-A. GRCh37 (hg19) VCF-style: chr11-64575111-G-A.
Other names: c.711C>T, p.Arg237= (NM_000244.4, NM_130800.3, NM_130801.3 and 3 more transcripts); c.696C>T, p.Arg232= (NM_001370251.2, NM_001370260.2, NM_001370261.2 and 1 more transcripts); c.591C>T, p.Arg197= (NM_001370262.2, NM_001370263.2).
Identifiers: ClinVar variation 656869 (VCV000656869.11), dbSNP rs753411991, ClinGen allele CA061450.